The following is an entry in ClinVar:

NM_006035.4(CDC42BPB):c.3666G>C (p.Arg1222Ser)

Gene: CDC42BPB (CDC42 binding protein kinase beta; minus strand). Cytogenetic location: 14q32.32.
Variant type: single nucleotide variant.
Coding change: c.3666G>C on transcript NM_006035.4 (MANE Select); coding-DNA position 3666, G replaced by C.
Protein change: p.Arg1222Ser; replaces arginine 1222 with serine.
Molecular consequence: missense variant.
Genome position (GRCh38, 1-based): chr14:102,946,550, C>G on the plus strand (G>C on the coding strand, the complement: CDC42BPB is on the minus strand). VCF-style: chr14-102946550-C-G. GRCh37 (hg19) VCF-style: chr14-103412887-C-G.
Other names: c.3588G>C, p.Arg1196Ser (NM_001411054.1); short protein forms R1196S, R1222S.
Identifiers: ClinVar variation 3488403 (VCV003488403.2).

ClinVar aggregate classification (germline): Uncertain significance. Review status: criteria provided, multiple submitters, no conflicts (2 of 4 stars). 2 submissions from 2 submitters: Uncertain significance (2). Last evaluated 2025-05-21.

Conditions:
CDC42BPB-related disorder.
Inborn genetic diseases. Identifiers: MedGen C0950123, MeSH D030342.

Submissions (2):

PreventionGenetics, part of Exact Sciences
Classification: Uncertain significance for CDC42BPB-related condition. Last evaluated: 2025-05-21. Review status: criteria provided, single submitter. Criteria: ACMG Guidelines, 2015. Collection method: clinical testing. Allele origin: germline.
Comment: The CDC42BPB c.3666G>C variant is predicted to result in the amino acid substitution p.Arg1222Ser. To our knowledge, this variant has not been reported in the literature or in a large population database (gnomAD), indicating this variant is rare. At this time, the clinical significance of this variant is uncertain due to the absence of conclusive functional and genetic evidence.

Ambry Genetics
Classification: Uncertain significance for Inborn genetic diseases. Last evaluated: 2024-09-26. Review status: criteria provided, single submitter. Criteria: Ambry Variant Classification Scheme 2023. Collection method: clinical testing. Allele origin: germline.